The following is an entry in ClinVar:

ClinVar aggregate classification (germline): Uncertain significance (1 of 4 stars; one submission).

Conditions:
Cardiomyopathy (CMYO). Also called: Cardiomyopathies. Identifiers: Orphanet 167848, MedGen C0878544, MONDO:0004994, HP:0001638. Inheritance: Various modes of inheritance.

Submission:

Color Diagnostics, LLC DBA Color Health
Classification: Uncertain significance for Cardiomyopathy. Last evaluated: 2025-05-20. Review status: criteria provided, single submitter. Criteria: ACMG Guidelines, 2015. Collection method: clinical testing. Allele origin: germline.
Comment: This missense variant replaces isoleucine with phenylalanine at codon 2826 of the RYR2 protein. Computational prediction suggests that this variant may have deleterious impact on protein structure and function. To our knowledge, functional studies have not been reported for this variant. This variant has not been reported in individuals affected with RYR2-related disorders in the literature. This variant has not been identified in the general population by the Genome Aggregation Database (gnomAD). The available evidence is insufficient to determine the role of this variant in disease conclusively. Therefore, this variant is classified as a Variant of Uncertain Significance.

NM_001035.3(RYR2):c.8476A>T (p.Ile2826Phe)

Gene: RYR2 (ryanodine receptor 2; plus strand). Cytogenetic location: 1q43.
Variant type: single nucleotide variant.
Coding change: c.8476A>T on transcript NM_001035.3 (MANE Select); coding-DNA position 8476, A replaced by T.
Protein change: p.Ile2826Phe; replaces isoleucine 2826 with phenylalanine.
Molecular consequence: missense variant.
Genome position (GRCh38, 1-based): chr1:237,666,551, A>T. VCF-style: chr1-237666551-A-T. GRCh37 (hg19) VCF-style: chr1-237829851-A-T.
Other names: short protein forms I2826F.
Identifiers: ClinVar variation 4756769 (VCV004756769.1).